The following is an entry in ClinVar:

ClinVar aggregate classification (germline): Uncertain significance (1 of 4 stars; one submission).

Conditions:
AVP-related disorder. Also called: AVP-related condition.

Submission:

PreventionGenetics, part of Exact Sciences
Classification: Uncertain significance for AVP-related condition. Last evaluated: 2026-04-27. Review status: criteria provided, single submitter. Criteria: ACMG Guidelines, 2015. Collection method: clinical testing. Allele origin: germline.
Comment: The AVP c.253T>C variant is predicted to result in the amino acid substitution p.Cys85Arg. To our knowledge, this variant has not been reported in the literature or in a large population database (gnomAD), indicating this variant is rare. At this time, the clinical significance of this variant is uncertain due to the absence of conclusive functional and genetic evidence.

NM_000490.5(AVP):c.253T>C (p.Cys85Arg)

Gene: AVP (arginine vasopressin; minus strand). Cytogenetic location: 20p13.
Variant type: single nucleotide variant.
Coding change: c.253T>C on transcript NM_000490.5 (MANE Select); coding-DNA position 253, T replaced by C.
Protein change: p.Cys85Arg; replaces cysteine 85 with arginine.
Molecular consequence: missense variant.
Genome position (GRCh38, 1-based): chr20:3,083,046, A>G on the plus strand (T>C on the coding strand, the complement: AVP is on the minus strand). VCF-style: chr20-3083046-A-G. GRCh37 (hg19) VCF-style: chr20-3063692-A-G.
Other names: short protein forms C85R.
Identifiers: ClinVar variation 4991771 (VCV004991771.1).